The following is an entry in ClinVar:

ClinVar aggregate classification (germline): Uncertain significance (1 of 4 stars; one submission).

Submission:

GeneDx
Classification: Uncertain significance. Last evaluated: 2026-03-26. Review status: criteria provided, single submitter. Criteria: GeneDx Variant Classification Process June 2021. Collection method: clinical testing. Allele origin: germline.
Comment: Not observed at significant frequency in large population cohorts (gnomAD); In silico analysis supports that this missense variant has a deleterious effect on protein structure/function; Has not been previously published as pathogenic or benign to our knowledge.

NM_198551.4(MIA3):c.4152T>G (p.Phe1384Leu)

Gene: MIA3 (MIA SH3 domain ER export factor 3; plus strand). Cytogenetic location: 1q41.
Variant type: single nucleotide variant.
Coding change: c.4152T>G on transcript NM_198551.4 (MANE Select); coding-DNA position 4152, T replaced by G.
Protein change: p.Phe1384Leu; replaces phenylalanine 1384 with leucine.
Molecular consequence: missense variant.
Genome position (GRCh38, 1-based): chr1:222,653,073, T>G. VCF-style: chr1-222653073-T-G. GRCh37 (hg19) VCF-style: chr1-222826415-T-G.
Other names: c.786T>G, p.Phe262Leu (NM_001300867.2, NM_001324065.2); c.4152T>G, p.Phe1384Leu (NM_001324062.2); c.3975T>G, p.Phe1325Leu (NM_001324063.2); c.3660T>G, p.Phe1220Leu (NM_001324064.2); short protein forms F1220L, F1325L, F1384L, F262L.
Identifiers: ClinVar variation 5017090 (VCV005017090.1).
Genomic context (GRCh38, chr1:222,653,073, plus strand): 5'-GCAGGAAATCGAAGACTGGAGTAAATTACATGCTGAGCTCAGTGAGCAAATCAAATCATT[T>G]GAGAAGTCTCAGAAAGATTTGGAAGTAGCTCTTACTCACAAGGATGATAATATTAATGTA-3'
Protein context (NP_940953.2, residues 1374-1394): HAELSEQIKS[Phe1384Leu]EKSQKDLEVA